The following is an entry in ClinVar:

ClinVar aggregate classification (germline): Likely benign. Review status: criteria provided, multiple submitters, no conflicts (2 of 4 stars). 2 submissions from 2 submitters: Likely benign (2). Last evaluated 2025-02-26.

Conditions:
COL18A1-related disorder. Also called: COL18A1-related condition; COL18A1-related disorders.

gnomAD v4.1: 292 of 1,530,694 alleles (0.019%); highest among the groups gnomAD compares: Middle Eastern, 0.017%; no homozygotes.

Submissions (2):

PreventionGenetics, part of Exact Sciences
Classification: Likely benign for COL18A1-related condition. Last evaluated: 2025-02-26. Review status: criteria provided, single submitter. Criteria: ACMG Guidelines, 2015. Collection method: clinical testing. Allele origin: germline.
Comment: This variant is classified as likely benign based on ACMG/AMP sequence variant interpretation guidelines (Richards et al. 2015 PMID: 25741868, with internal and published modifications).

Blueprint Genetics
Classification: Likely benign. Last evaluated: 2024-11-26. Review status: criteria provided, single submitter. Criteria: ACMG Guidelines, 2015. Collection method: clinical testing. Allele origin: germline.

NM_001379500.1(COL18A1):c.107-11531T>C

Gene: COL18A1 (collagen type XVIII alpha 1 chain; plus strand). Cytogenetic location: 21q22.3.
Variant type: single nucleotide variant.
Coding change: c.107-11531T>C on transcript NM_001379500.1 (MANE Select); 11531 bases into the intron before coding-DNA position 107, T replaced by C.
Molecular consequence: intron variant. On other transcripts: missense variant (1).
Genome position (GRCh38, 1-based): chr21:45,456,711, T>C. VCF-style: chr21-45456711-T-C. GRCh37 (hg19) VCF-style: chr21-46876625-T-C.
Other names: c.1181T>C, p.Val394Ala (NM_130444.3); c.646+535T>C (NM_030582.4); c.1181T>C (NM_130444.2); short protein forms V394A.
Identifiers: ClinVar variation 4946585 (VCV004946585.2).